The following is an entry in ClinVar:

NM_003072.5(SMARCA4):c.1099C>T (p.Leu367=)

Gene: SMARCA4 (SWI/SNF related BAF chromatin remodeling complex subunit ATPase 4; plus strand). Cytogenetic location: 19p13.2.
Variant type: single nucleotide variant.
Coding change: c.1099C>T on transcript NM_003072.5 (MANE Select); coding-DNA position 1099, C replaced by T.
Protein change: p.Leu367=; no amino-acid change (leucine 367 retained).
Molecular consequence: synonymous variant. On other transcripts: non-coding transcript variant (1).
Genome position (GRCh38, 1-based): chr19:10,987,905, C>T. VCF-style: chr19-10987905-C-T. GRCh37 (hg19) VCF-style: chr19-11098581-C-T.
Other names: c.1099C>T, p.Leu367= (NM_001128844.3, NM_001128845.2, NM_001128846.2 and 5 more transcripts).
Identifiers: ClinVar variation 238361 (VCV000238361.39), dbSNP rs372379166, ClinGen allele CA9203672.

ClinVar aggregate classification (germline): Benign/Likely benign. Review status: criteria provided, multiple submitters, no conflicts (2 of 4 stars). 10 submissions from 10 submitters: Benign (6); Likely benign (4). Last evaluated 2026-07-09.

Conditions:
Coffin-Siris syndrome. Identifiers: Orphanet 1465, MedGen C0265338, MONDO:0015452.
Hereditary cancer-predisposing syndrome. Also called: Hereditary Cancer Syndrome; Tumor predisposition; Hereditary neoplastic syndrome; Neoplastic Syndromes, Hereditary. Identifiers: Orphanet 140162, MedGen C0027672, MeSH D009386, MONDO:0015356.
Intellectual disability, autosomal dominant 16 (CSS4). Also called: COFFIN-SIRIS SYNDROME 4. Identifiers: Orphanet 1465, MedGen C3553249, MONDO:0013821, OMIM 614609.
Rhabdoid tumor predisposition syndrome 2 (RTPS2). Identifiers: Orphanet 231108, Orphanet 69077, MedGen C2750074, MONDO:0013224, OMIM 613325.

Allele frequency attached by ClinVar (database versions not stated): ESP Exome Variant Server 0.00016; ExAC 0.00011; gnomAD exomes 0.00016 and 0.00008; gnomAD 0.00017 and 0.00016; TOPMed 0.00014.
gnomAD v4.1: 155 of 1,612,790 alleles (0.0096%); highest among the groups gnomAD compares: Non-Finnish European, 0.0034%; no homozygotes.

Submissions (10):

Myriad Genetics, Inc.
Classification: Benign for Rhabdoid tumor predisposition syndrome 2. Last evaluated: 2026-07-09. Review status: criteria provided, single submitter. Criteria: Myriad Autosomal Dominant, Autosomal Recessive and X-Linked Classification Criteria (2023). Collection method: clinical testing. Allele origin: unknown.
Comment: This variant is considered benign. This variant is a silent/synonymous amino acid change and it is not expected to impact splicing.

CeGaT Center for Human Genetics Tuebingen
Classification: Likely benign. Last evaluated: 2026-03-01. Review status: criteria provided, single submitter. Criteria: CeGaT Center For Human Genetics Tuebingen Variant Classification Criteria Version 2. Collection method: clinical testing. Allele origin: germline. Affected: yes. Observed: 2 variant alleles.
Comment: SMARCA4: BP4, BP7

Labcorp Genetics (formerly Invitae), Labcorp
Classification: Benign for Rhabdoid tumor predisposition syndrome 2. Last evaluated: 2026-02-04. Review status: criteria provided, single submitter. Criteria: Invitae Variant Classification Sherloc (09022015). Collection method: clinical testing. Allele origin: germline.

Blueprint Genetics
Classification: Likely benign. Last evaluated: 2024-08-21. Review status: criteria provided, single submitter. Criteria: ACMG Guidelines, 2015. Collection method: clinical testing. Allele origin: germline.

Quest Diagnostics Nichols Institute San Juan Capistrano
Classification: Benign. Last evaluated: 2023-01-09. Review status: criteria provided, single submitter. Criteria: Quest Diagnostics criteria. Collection method: clinical testing. Allele origin: unknown.

Genome-Nilou Lab
Classification: Benign for Intellectual disability, autosomal dominant 16. Last evaluated: 2021-07-15. Review status: criteria provided, single submitter. Criteria: ACMG Guidelines, 2015. Collection method: clinical testing. Allele origin: germline. Affected: no.

Sema4
Classification: Benign for Hereditary cancer-predisposing syndrome. Last evaluated: 2021-03-05. Review status: criteria provided, single submitter. Criteria: Sema4 Curation Guidelines. Collection method: curation. Allele origin: germline.

GeneDx
Classification: Likely benign. Last evaluated: 2020-12-15. Review status: criteria provided, single submitter. Criteria: GeneDx Variant Classification Process June 2021. Collection method: clinical testing. Allele origin: germline. Affected: yes.

Illumina Laboratory Services, Illumina
Classification: Benign for Coffin-Siris syndrome. Last evaluated: 2018-01-13. Review status: criteria provided, single submitter. Criteria: ICSL Variant Classification Criteria 13 December 2019. Collection method: clinical testing. Allele origin: germline.
Comment: This variant was observed in the ICSL laboratory as part of a predisposition screen in an ostensibly healthy population. It had not been previously curated by ICSL or reported in the Human Gene Mutation Database (HGMD: prior to June 1st, 2018), and was therefore a candidate for classification through an automated scoring system. Utilizing variant allele frequency, disease prevalence and penetrance estimates, and inheritance mode, an automated score was calculated to assess if this variant is too frequent to cause the disease. Based on the score and internal cut-off values, a variant classified as benign is not then subjected to further curation. The score for this variant resulted in a classification of benign for this disease.

Ambry Genetics
Classification: Likely benign for Hereditary cancer-predisposing syndrome. Last evaluated: 2015-06-26. Review status: criteria provided, single submitter. Criteria: Ambry Variant Classification Scheme 2023. Collection method: clinical testing. Allele origin: germline.